The following is an entry in ClinVar:

NM_000214.3(JAG1):c.1174C>A (p.Leu392Met)

Gene: JAG1 (jagged canonical Notch ligand 1; minus strand). Cytogenetic location: 20p12.2.
Variant type: single nucleotide variant.
Coding change: c.1174C>A on transcript NM_000214.3 (MANE Select); coding-DNA position 1174, C replaced by A.
Protein change: p.Leu392Met; replaces leucine 392 with methionine.
Molecular consequence: missense variant.
Genome position (GRCh38, 1-based): chr20:10,650,307, G>T on the plus strand (C>A on the coding strand, the complement: JAG1 is on the minus strand). VCF-style: chr20-10650307-G-T. GRCh37 (hg19) VCF-style: chr20-10630955-G-T.
Other names: short protein forms L392M.
Identifiers: ClinVar variation 4614293 (VCV004614293.2).
Genomic context (GRCh38, chr20:10,650,307, plus strand): 5'-CTAACTGGCACGTTTTCCCAGTCCACTGTGGGGGGCACACACACTTAAATCCGTTAACCA[G>T]GTCCTGGCAGGTGCCCCCGTGGGAACAGTTATTAGGAGAACAGTCATCAATGTCTGGTCA-3'
Protein context (NP_000205.1, residues 382-402): NCSHGGTCQD[Leu392Met]VNGFKCVCPP

ClinVar aggregate classification (germline): Uncertain significance. Review status: criteria provided, multiple submitters, no conflicts (2 of 4 stars). 2 submissions from 2 submitters: Uncertain significance (2). Last evaluated 2025-09-22.

Conditions:
JAG1-related disorder. Also called: JAG1-related disorders; JAG1-related condition.
Cardiovascular phenotype. Identifiers: MedGen CN230736.

Submissions (2):

Ambry Genetics
Classification: Uncertain significance for Cardiovascular phenotype. Last evaluated: 2025-09-22. Review status: criteria provided, single submitter. Criteria: Ambry Variant Classification Scheme 2023. Collection method: clinical testing. Allele origin: germline.

PreventionGenetics, part of Exact Sciences
Classification: Uncertain significance for JAG1-related condition. Last evaluated: 2025-08-12. Review status: criteria provided, single submitter. Criteria: ACMG Guidelines, 2015. Collection method: clinical testing. Allele origin: germline.
Comment: The JAG1 c.1174C>A variant is predicted to result in the amino acid substitution p.Leu392Met. To our knowledge, this variant has not been reported in the literature or in a large population database (gnomAD), indicating this variant is rare. At this time, the clinical significance of this variant is uncertain due to the absence of conclusive functional and genetic evidence.